The following is an entry in ClinVar:

ClinVar aggregate classification (germline): Uncertain significance. Review status: criteria provided, multiple submitters, no conflicts (2 of 4 stars). 4 submissions from 4 submitters: Uncertain significance (4). Last evaluated 2024-01-17.

Conditions:
RYR1-related disorder. Also called: RYR1-related disorders; RYR1-related condition. Identifiers: MedGen CN239331.
Inborn genetic diseases. Identifiers: MedGen C0950123, MeSH D030342.

Allele frequency attached by ClinVar (database versions not stated): TOPMed below 0.00001; gnomAD exomes 0.00001; ExAC 0.00004.
gnomAD v4.1: 16 of 1,572,618 alleles (0.001%); highest among the groups gnomAD compares: African/African-American, 0.0027%; no homozygotes.

Submissions (4):

Ambry Genetics
Classification: Uncertain significance for Inborn genetic diseases. Last evaluated: 2024-01-17. Review status: criteria provided, single submitter. Criteria: Ambry Variant Classification Scheme 2023. Collection method: clinical testing. Allele origin: germline.

Labcorp Genetics (formerly Invitae), Labcorp
Classification: Uncertain significance for RYR1-related disorder. Last evaluated: 2022-07-14. Review status: criteria provided, single submitter. Criteria: Invitae Variant Classification Sherloc (09022015). Collection method: clinical testing. Allele origin: germline.
Comment: This sequence change replaces arginine, which is basic and polar, with tryptophan, which is neutral and slightly polar, at codon 1622 of the RYR1 protein (p.Arg1622Trp). The frequency data for this variant in the population databases is considered unreliable, as metrics indicate poor data quality at this position in the gnomAD database. This variant has not been reported in the literature in individuals affected with RYR1-related conditions. ClinVar contains an entry for this variant (Variation ID: 1194181). Advanced modeling of protein sequence and biophysical properties (such as structural, functional, and spatial information, amino acid conservation, physicochemical variation, residue mobility, and thermodynamic stability) performed at Invitae indicates that this missense variant is expected to disrupt RYR1 protein function. In summary, the available evidence is currently insufficient to determine the role of this variant in disease. Therefore, it has been classified as a Variant of Uncertain Significance.

GeneDx
Classification: Uncertain significance. Last evaluated: 2020-02-01. Review status: criteria provided, single submitter. Criteria: GeneDx Variant Classification Process June 2021. Collection method: clinical testing. Allele origin: germline. Affected: yes.
Comment: Not observed in large population cohorts (Lek et al., 2016); In silico analysis supports that this missense variant has a deleterious effect on protein structure/function; Has not been previously published as pathogenic or benign to our knowledge

Revvity Omics, Revvity
Classification: Uncertain significance. Last evaluated: 2019-08-01. Review status: criteria provided, single submitter. Criteria: ACMG Guidelines, 2015. Collection method: clinical testing. Allele origin: germline.

NM_000540.3(RYR1):c.4864C>T (p.Arg1622Trp)

Gene: RYR1 (ryanodine receptor 1; plus strand). Cytogenetic location: 19q13.2.
Variant type: single nucleotide variant.
Coding change: c.4864C>T on transcript NM_000540.3 (MANE Select); coding-DNA position 4864, C replaced by T.
Protein change: p.Arg1622Trp; replaces arginine 1622 with tryptophan.
Molecular consequence: missense variant.
Genome position (GRCh38, 1-based): chr19:38,483,446, C>T. VCF-style: chr19-38483446-C-T. GRCh37 (hg19) VCF-style: chr19-38974086-C-T.
Other names: c.4864C>T, p.Arg1622Trp (NM_001042723.2); short protein forms R1622W.
Identifiers: ClinVar variation 1194181 (VCV001194181.9), dbSNP rs756481315, ClinGen allele CA066479.
Genomic context (GRCh38, chr19:38,483,446, plus strand): 5'-GTGTCCTGGAGCCGCATGCCCAACCACTTCCTGCAGGTGGAGACGAGGCGTGCCGGCGAG[C>T]GGCTGGGCTGGGCCGTGCAGTGCCAGGAGCCGCTGACCATGATGGCGCTGCACATCCCCG-3'
Protein context (NP_000531.2, residues 1612-1632): LQVETRRAGE[Arg1622Trp]LGWAVQCQEP